The following is an entry in ClinVar:

NM_000075.4(CDK4):c.805G>T (p.Ala269Ser)

Genes: CDK4 (cyclin dependent kinase 4; minus strand), TSPAN31 (tetraspanin 31; plus strand). Cytogenetic location: 12q14.1.
Variant type: single nucleotide variant.
Coding change: c.805G>T on transcript NM_000075.4 (MANE Select); coding-DNA position 805, G replaced by T.
Protein change: p.Ala269Ser; replaces alanine 269 with serine.
Molecular consequence: missense variant. On other transcripts: 3 prime UTR variant (3).
Genome position (GRCh38, 1-based): chr12:57,749,196, C>A on the plus strand (G>T on the coding strand, the complement: CDK4 is on the minus strand). VCF-style: chr12-57749196-C-A. GRCh37 (hg19) VCF-style: chr12-58142979-C-A.
Other names: c.*1906C>A (NM_001330168.2, NM_001330169.2, NM_005981.5); short protein forms A269S.
Identifiers: ClinVar variation 2705638 (VCV002705638.3), dbSNP rs786202902, ClinGen allele CA385542971.

ClinVar aggregate classification (germline): Uncertain significance (1 of 4 stars; one submission).

Conditions:
Familial melanoma. Also called: Hereditary melanoma; Hereditary cutaneous melanoma. Identifiers: Orphanet 618, MedGen C1512419, MONDO:0018961.

Submission:

Labcorp Genetics (formerly Invitae), Labcorp
Classification: Uncertain significance for Familial melanoma. Last evaluated: 2023-12-26. Review status: criteria provided, single submitter. Criteria: Invitae Variant Classification Sherloc (09022015). Collection method: clinical testing. Allele origin: germline.
Comment: This sequence change replaces alanine, which is neutral and non-polar, with serine, which is neutral and polar, at codon 269 of the CDK4 protein (p.Ala269Ser). This variant is not present in population databases (gnomAD no frequency). This variant has not been reported in the literature in individuals affected with CDK4-related conditions. Advanced modeling of protein sequence and biophysical properties (such as structural, functional, and spatial information, amino acid conservation, physicochemical variation, residue mobility, and thermodynamic stability) performed at Invitae indicates that this missense variant is not expected to disrupt CDK4 protein function with a negative predictive value of 95%. In summary, the available evidence is currently insufficient to determine the role of this variant in disease. Therefore, it has been classified as a Variant of Uncertain Significance.